The following is an entry in ClinVar:

ClinVar aggregate classification (germline): Likely pathogenic (1 of 4 stars; one submission).

Conditions:
von Willebrand disease type 1 (VWD1). Also called: VON WILLEBRAND DISEASE, TYPE I; VWD, TYPE 1. Identifiers: Orphanet 166078, Orphanet 903, MedGen C1264039, MONDO:0008668, OMIM 193400. Inheritance: autosomal recessive or autosomal dominant.

Submission:

ISTH-SSC Genomics in Thrombosis and Hemostasis, KU Leuven, Center for Molecular and Vascular Biology
Classification: Likely pathogenic for von Willebrand disease type 1. Review status: criteria provided, single submitter. Criteria: ACMG Guidelines, 2015. Collection method: clinical testing. Allele origin: germline. Affected: yes. Observed: 1 heterozygote.
Comment: Submitted to the GoldVariant database by Kathleen Freson, Center for Molecular and Vascular Biology

NM_000552.5(VWF):c.7650_7651del (p.Gln2551fs)

Gene: VWF (von Willebrand factor; minus strand). Cytogenetic location: 12p13.31.
Variant type: Deletion.
Coding change: c.7650_7651del on transcript NM_000552.5 (MANE Select); coding-DNA positions 7650 to 7651, 2 bases deleted (CC; older notation c.7650_7651delCC).
Protein change: p.Gln2551fs; shifts the reading frame from glutamine 2551.
Molecular consequence: frameshift variant.
Genome position (GRCh38, 1-based): chr12:5,969,289-5,969,290, GG deleted on the plus strand (CC on the coding strand, the reverse complement: VWF is on the minus strand); deleting any 2 consecutive bases within chr12:5,969,289-5,969,293 gives the same sequence; the c. name uses the placement nearest the transcript's 3' end. VCF-style (leftmost placement, unchanged base first): chr12-5969288-TGG-T. GRCh37 (hg19) VCF-style: chr12-6078454-TGG-T.
Other names: c.7650_7651delCC (NM_000552.5); short protein forms Q2551fs.
Identifiers: ClinVar variation 2572110 (VCV002572110.1), dbSNP rs2497390193, ClinGen allele CA2580615119.